The following is an entry in ClinVar:

ClinVar aggregate classification (germline): Uncertain significance (1 of 4 stars; one submission).

Submission:

Labcorp Genetics (formerly Invitae), Labcorp
Classification: Uncertain significance. Last evaluated: 2024-06-01. Review status: criteria provided, single submitter. Criteria: Invitae Variant Classification Sherloc (09022015). Collection method: clinical testing. Allele origin: germline.
Comment: This sequence change replaces cysteine, which is neutral and slightly polar, with arginine, which is basic and polar, at codon 201 of the UCHL1 protein (p.Cys201Arg). This variant is not present in population databases (gnomAD no frequency). This variant has not been reported in the literature in individuals affected with UCHL1-related conditions. An algorithm developed to predict the effect of missense changes on protein structure and function (PolyPhen-2) suggests that this variant is likely to be disruptive. In summary, the available evidence is currently insufficient to determine the role of this variant in disease. Therefore, it has been classified as a Variant of Uncertain Significance.

NM_004181.5(UCHL1):c.601T>C (p.Cys201Arg)

Gene: UCHL1 (ubiquitin C-terminal hydrolase L1; plus strand). Cytogenetic location: 4p13.
Variant type: single nucleotide variant.
Coding change: c.601T>C on transcript NM_004181.5 (MANE Select); coding-DNA position 601, T replaced by C.
Protein change: p.Cys201Arg; replaces cysteine 201 with arginine.
Molecular consequence: missense variant.
Genome position (GRCh38, 1-based): chr4:41,268,002, T>C. VCF-style: chr4-41268002-T-C. GRCh37 (hg19) VCF-style: chr4-41270019-T-C.
Other names: short protein forms C201R.
Identifiers: ClinVar variation 3687781 (VCV003687781.2).